The following is an entry in ClinVar:

NM_002206.3(ITGA7):c.1446_1453del (p.Ile483fs)

Gene: ITGA7 (integrin subunit alpha 7; minus strand). Cytogenetic location: 12q13.2.
Variant type: Deletion.
Coding change: c.1446_1453del on transcript NM_002206.3 (MANE Select); coding-DNA positions 1446 to 1453, 8 bases deleted (TATTGCTC; older notation c.1446_1453delTATTGCTC).
Protein change: p.Ile483fs; shifts the reading frame from isoleucine 483.
Molecular consequence: frameshift variant.
Genome position (GRCh38, 1-based): chr12:55,697,503-55,697,510, GAGCAATA deleted on the plus strand (TATTGCTC on the coding strand, the reverse complement: ITGA7 is on the minus strand); deleting any 8 consecutive bases within chr12:55,697,503-55,697,513 gives the same sequence; the c. name uses the placement nearest the transcript's 3' end. VCF-style (leftmost placement, unchanged base first): chr12-55697502-GGAGCAATA-G. GRCh37 (hg19) VCF-style: chr12-56091286-GGAGCAATA-G.
Other names: c.1458_1465del, p.Ile487fs (NM_001144996.2); c.1164_1171delCTCTATTG, p.Ile390Thrfs (NM_001144997.2); c.1119_1126del, p.Ile374fs (NM_001367993.1); c.102_109del, p.Ile35fs (NM_001367994.1); c.1446_1453del, p.Ile483fs (NM_001374465.1); c.1575_1582delCTCTATTG, p.Ile527Thrfs (NM_001410977.1); c.1455_1462delCTCTATTG, p.Ile487Thrfs (NM_001414029.1); c.1368_1375delCTCTATTG, p.Ile458Thrfs (NM_001414030.1); and 6 more; short protein forms I374fs, I35fs, I487fs, I390fs, I483fs.
Identifiers: ClinVar variation 470565 (VCV000470565.10), dbSNP rs1474512248, ClinGen allele CA605247151.

ClinVar aggregate classification (germline): Pathogenic/Likely pathogenic. Review status: criteria provided, multiple submitters, no conflicts (2 of 4 stars). 3 submissions from 3 submitters: Pathogenic (1); Likely pathogenic (2). Last evaluated 2026-09-07.

Conditions:
Congenital muscular dystrophy due to integrin alpha-7 deficiency. Also called: MYOPATHY, CONGENITAL, DUE TO INTEGRIN ALPHA-7 DEFICIENCY; Congenital muscular dystrophy with integrin alpha-7 deficiency; Muscular dystrophy, congenital, due to ITGA7 deficiency. Identifiers: Orphanet 34520, MedGen C2750786, MONDO:0013177, OMIM 613204.

Submissions (3):

GeneDx
Classification: Likely pathogenic. Last evaluated: 2026-09-07. Review status: criteria provided, single submitter. Criteria: GeneDx Variant Classification Process June 2021. Collection method: clinical testing. Allele origin: germline.
Comment: Frameshift variant predicted to result in protein truncation or nonsense mediated decay in a gene for which loss of function is a known mechanism of disease; Not observed at significant frequency in large population cohorts (gnomAD); Has not been previously published as pathogenic or benign to our knowledge

Labcorp Genetics (formerly Invitae), Labcorp
Classification: Pathogenic for Congenital muscular dystrophy due to integrin alpha-7 deficiency. Last evaluated: 2023-05-31. Review status: criteria provided, single submitter. Criteria: Invitae Variant Classification Sherloc (09022015). Collection method: clinical testing. Allele origin: germline.
Comment: ClinVar contains an entry for this variant (Variation ID: 470565). For these reasons, this variant has been classified as Pathogenic. This variant has not been reported in the literature in individuals affected with ITGA7-related conditions. This variant is present in population databases (no rsID available, gnomAD 0.0009%). This sequence change creates a premature translational stop signal (p.Ile483Thrfs*34) in the ITGA7 gene. It is expected to result in an absent or disrupted protein product. Loss-of-function variants in ITGA7 are known to be pathogenic (PMID: 9590299).

Revvity Omics, Revvity
Classification: Likely pathogenic for Congenital muscular dystrophy due to integrin alpha-7 deficiency. Last evaluated: 2023-04-18. Review status: criteria provided, single submitter. Criteria: ACMG Guidelines, 2015. Collection method: clinical testing. Allele origin: germline.

Literature cited by the submitters: PubMed 9590299 (cited by Labcorp Genetics (formerly Invitae), Labcorp).